The following is an entry in ClinVar:

ClinVar aggregate classification (germline): Uncertain significance. Review status: criteria provided, multiple submitters, no conflicts (2 of 4 stars). 2 submissions from 2 submitters: Uncertain significance (2). Last evaluated 2025-11-26.

Conditions:
Familial cancer of breast. Also called: BREAST CANCER, FAMILIAL; Hereditary breast cancer; hereditary breast carcinoma. Identifiers: Orphanet 227535, MedGen C0346153, MONDO:0016419, OMIM 114480. Disease mechanism: loss of function.
Fanconi anemia complementation group J. Also called: BRIP1-Related Fanconi Anemia. Identifiers: Orphanet 84, MedGen C1836860, MONDO:0012187, OMIM 609054.
Hereditary cancer-predisposing syndrome. Also called: Tumor predisposition; Hereditary neoplastic syndrome; Neoplastic Syndromes, Hereditary; Hereditary Cancer Syndrome. Identifiers: Orphanet 140162, MedGen C0027672, MeSH D009386, MONDO:0015356.

Allele frequency attached by ClinVar (database versions not stated): gnomAD exomes below 0.00001.
gnomAD v4.1: 2 of 1,609,418 alleles (0.00012%); highest among the groups gnomAD compares: Non-Finnish European, 0.000085%; no homozygotes.

Submissions (2):

Ambry Genetics
Classification: Uncertain significance for Hereditary cancer-predisposing syndrome. Last evaluated: 2025-11-26. Review status: criteria provided, single submitter. Criteria: Ambry Variant Classification Scheme 2023. Collection method: clinical testing. Allele origin: germline.
Comment: The c.1474-11A>G intronic variant results from an A to G substitution 11 nucleotides upstream from coding exon 10 in the BRIP1 gene. This nucleotide position is highly conserved in available vertebrate species. In silico splice site analysis predicts that this alteration will weaken the native splice acceptor site; however, direct evidence is insufficient at this time (Ambry internal data). Based on the available evidence, the clinical significance of this variant remains unclear.

Labcorp Genetics (formerly Invitae), Labcorp
Classification: Uncertain significance for Familial cancer of breast; Fanconi anemia complementation group J. Last evaluated: 2024-10-07. Review status: criteria provided, single submitter. Criteria: Invitae Variant Classification Sherloc (09022015). Collection method: clinical testing. Allele origin: germline.
Comment: This sequence change falls in intron 10 of the BRIP1 gene. It does not directly change the encoded amino acid sequence of the BRIP1 protein. This variant is present in population databases (no rsID available, gnomAD 0.01%). This variant has not been reported in the literature in individuals affected with BRIP1-related conditions. ClinVar contains an entry for this variant (Variation ID: 1378630). Algorithms developed to predict the effect of sequence changes on RNA splicing suggest that this variant may disrupt the consensus splice site. In summary, the available evidence is currently insufficient to determine the role of this variant in disease. Therefore, it has been classified as a Variant of Uncertain Significance.

NM_032043.3(BRIP1):c.1474-11A>G

Gene: BRIP1 (BRCA1 interacting DNA helicase 1; minus strand). Cytogenetic location: 17q23.2.
Variant type: single nucleotide variant.
Coding change: c.1474-11A>G on transcript NM_032043.3 (MANE Select); 11 bases into the intron before coding-DNA position 1474, A replaced by G.
Molecular consequence: intron variant.
Genome position (GRCh38, 1-based): chr17:61,784,435, T>C on the plus strand (A>G on the coding strand, the complement: BRIP1 is on the minus strand). VCF-style: chr17-61784435-T-C. GRCh37 (hg19) VCF-style: chr17-59861796-T-C.
Other names: c.1474-11A>G (NM_032043.2).
Identifiers: ClinVar variation 1378630 (VCV001378630.9), dbSNP rs1230175864, ClinGen allele CA626806706.